The following is an entry in ClinVar:

NM_006206.6(PDGFRA):c.646C>T (p.Leu216=)

Gene: PDGFRA (platelet derived growth factor receptor alpha; plus strand). Cytogenetic location: 4q12.
Variant type: single nucleotide variant.
Coding change: c.646C>T on transcript NM_006206.6 (MANE Select); coding-DNA position 646, C replaced by T.
Protein change: p.Leu216=; no amino-acid change (leucine 216 retained).
Molecular consequence: synonymous variant.
Genome position (GRCh38, 1-based): chr4:54,264,936, C>T. VCF-style: chr4-54264936-C-T. GRCh37 (hg19) VCF-style: chr4-55131103-C-T.
Other names: c.646C>T, p.Leu216= (NM_001347827.2, NM_001347829.2); c.721C>T, p.Leu241= (NM_001347828.2); c.685C>T, p.Leu229= (NM_001347830.2).
Identifiers: ClinVar variation 2768604 (VCV002768604.3), dbSNP rs766847405, ClinGen allele CA2922351.
Genomic context (GRCh38, chr4:54,264,936, plus strand): 5'-ATCCTGTGGATTTTTAGGCCCTTGTATTTGTTCTTTTTTATAGCAACATCAGAGCTGGAT[C>T]TAGAAATGGAAGCTCTTAAAACCGTGTATAAGTCAGGGGAAACGATTGTGGTCACCTGTG-3'
Protein context (NP_006197.1, residues 206-226): YALKATSELD[Leu216=]EMEALKTVYK

ClinVar aggregate classification (germline): Uncertain significance (1 of 4 stars; one submission).

Conditions:
Gastrointestinal stromal tumor. Also called: Gastrointestinal stromal tumor, somatic; Gastrointestinal stroma tumor. Identifiers: Orphanet 44890, MedGen C0238198, MeSH D046152, MONDO:0011719, OMIM 606764, HP:0100723.

Allele frequency attached by ClinVar (database versions not stated): ExAC 0.00001.

Submission:

Labcorp Genetics (formerly Invitae), Labcorp
Classification: Uncertain significance for Gastrointestinal stromal tumor. Last evaluated: 2023-10-15. Review status: criteria provided, single submitter. Criteria: Invitae Variant Classification Sherloc (09022015). Collection method: clinical testing. Allele origin: germline.
Comment: This sequence change affects codon 216 of the PDGFRA mRNA. It is a 'silent' change, meaning that it does not change the encoded amino acid sequence of the PDGFRA protein. This variant is present in population databases (rs766847405, gnomAD 0.007%). This variant has not been reported in the literature in individuals affected with PDGFRA-related conditions. Algorithms developed to predict the effect of sequence changes on RNA splicing suggest that this variant may disrupt the consensus splice site. In summary, the available evidence is currently insufficient to determine the role of this variant in disease. Therefore, it has been classified as a Variant of Uncertain Significance.